The following is an entry in ClinVar:

NM_024678.6(NARS2):c.206C>G (p.Ser69Cys)

Gene: NARS2 (asparaginyl-tRNA synthetase 2, mitochondrial; minus strand). Cytogenetic location: 11q14.1.
Variant type: single nucleotide variant.
Coding change: c.206C>G on transcript NM_024678.6 (MANE Select); coding-DNA position 206, C replaced by G.
Protein change: p.Ser69Cys; replaces serine 69 with cysteine.
Molecular consequence: missense variant. On other transcripts: 5 prime UTR variant (1).
Genome position (GRCh38, 1-based): chr11:78,571,380, G>C on the plus strand (C>G on the coding strand, the complement: NARS2 is on the minus strand). VCF-style: chr11-78571380-G-C. GRCh37 (hg19) VCF-style: chr11-78282425-G-C.
Other names: c.-476C>G (NM_001243251.2); short protein forms S69C.
Identifiers: ClinVar variation 1326139 (VCV001326139.16), dbSNP rs149009700, ClinGen allele CA6205917.

ClinVar aggregate classification (germline): Uncertain significance. Review status: criteria provided, multiple submitters, no conflicts (2 of 4 stars). 7 submissions from 7 submitters: Uncertain significance (7). Last evaluated 2026-08-11.

Conditions:
Combined oxidative phosphorylation defect type 24. Also called: Combined oxidative phosphorylation deficiency 24. Identifiers: Orphanet 444458, MedGen C4015643, MONDO:0014547, OMIM 616239.
Hearing loss, autosomal recessive 94. Also called: Deafness, autosomal recessive 94. Identifiers: MedGen C5193096, MONDO:0032749, OMIM 618434.
NARS2-related disorder. Also called: NARS2-related condition.
Inborn genetic diseases. Identifiers: MedGen C0950123, MeSH D030342.

Allele frequency attached by ClinVar (database versions not stated): gnomAD 0.00016 and 0.00023; TOPMed 0.00023; 1000 Genomes Project 30x 0.00031; ESP Exome Variant Server 0.00039; 1000 Genomes Project 0.00040.
gnomAD v4.1: 502 of 1,613,734 alleles (0.031%); highest among the groups gnomAD compares: South Asian, 0.13%; 3 homozygotes.

Submissions (7):

PreventionGenetics, part of Exact Sciences
Classification: Uncertain significance for NARS2-related condition. Last evaluated: 2026-08-11. Review status: criteria provided, single submitter. Criteria: ACMG Guidelines, 2015. Collection method: clinical testing. Allele origin: germline.
Comment: The NARS2 c.206C>G variant is predicted to result in the amino acid substitution p.Ser69Cys. To our knowledge, this variant has not been reported in the literature. This variant is reported in 0.12% of alleles in individuals of South Asian descent in gnomAD. Although we suspect that this variant may be benign, at this time, the clinical significance of this variant is uncertain due to the absence of conclusive functional and genetic evidence.

GeneDx
Classification: Uncertain significance. Last evaluated: 2024-11-25. Review status: criteria provided, single submitter. Criteria: GeneDx Variant Classification Process June 2021. Collection method: clinical testing. Allele origin: germline. Affected: yes.
Comment: In silico analysis indicates that this missense variant does not alter protein structure/function; Has not been previously published as pathogenic or benign to our knowledge

Blueprint Genetics
Classification: Uncertain significance. Last evaluated: 2024-11-23. Review status: criteria provided, single submitter. Criteria: ACMG Guidelines, 2015. Collection method: clinical testing. Allele origin: germline.

Labcorp Genetics (formerly Invitae), Labcorp
Classification: Uncertain significance. Last evaluated: 2024-01-08. Review status: criteria provided, single submitter. Criteria: Invitae Variant Classification Sherloc (09022015). Collection method: clinical testing. Allele origin: germline.
Comment: This sequence change replaces serine, which is neutral and polar, with cysteine, which is neutral and slightly polar, at codon 69 of the NARS2 protein (p.Ser69Cys). This variant is present in population databases (rs149009700, gnomAD 0.1%). This variant has not been reported in the literature in individuals affected with NARS2-related conditions. ClinVar contains an entry for this variant (Variation ID: 1326139). Advanced modeling of protein sequence and biophysical properties (such as structural, functional, and spatial information, amino acid conservation, physicochemical variation, residue mobility, and thermodynamic stability) performed at Invitae indicates that this missense variant is not expected to disrupt NARS2 protein function with a negative predictive value of 80%. In summary, the available evidence is currently insufficient to determine the role of this variant in disease. Therefore, it has been classified as a Variant of Uncertain Significance.

Fulgent Genetics
Classification: Uncertain significance for Combined oxidative phosphorylation defect type 24; Hearing loss, autosomal recessive 94. Last evaluated: 2024-01-06. Review status: criteria provided, single submitter. Criteria: ACMG Guidelines, 2015. Collection method: clinical testing. Allele origin: germline.

Ambry Genetics
Classification: Uncertain significance for Inborn genetic diseases. Last evaluated: 2023-12-11. Review status: criteria provided, single submitter. Criteria: Ambry Variant Classification Scheme 2023. Collection method: clinical testing. Allele origin: germline.

Revvity Omics, Revvity
Classification: Uncertain significance. Last evaluated: 2019-07-20. Review status: criteria provided, single submitter. Criteria: ACMG Guidelines, 2015. Collection method: clinical testing. Allele origin: germline.